The following is an entry in ClinVar:

NM_000059.4(BRCA2):c.9717dup (p.Val3240fs)

Gene: BRCA2 (BRCA2 DNA repair associated; plus strand). Cytogenetic location: 13q13.1.
Variant type: Duplication.
Coding change: c.9717dup on transcript NM_000059.4 (MANE Select); coding-DNA position 9717, one base duplicated (T; older notation c.9717dupT).
Protein change: p.Val3240fs; shifts the reading frame from valine 3240.
Molecular consequence: frameshift variant. On other transcripts: non-coding transcript variant (1).
Genome position (GRCh38, 1-based): chr13:32,398,230, T duplicated. VCF-style (leftmost placement, unchanged base first): chr13-32398229-C-CT. GRCh37 (hg19) VCF-style: chr13-32972366-C-CT.
Other names: c.9621dup, p.Val3208fs (NM_001406719.1); c.9666dup, p.Val3223fs (NM_001406720.1); c.4785dup, p.Val1596fs (NM_001406721.1); c.3300dup, p.Val1101fs (NM_001406722.1); c.9717dup, p.Val3240fs (NM_001432077.1); short protein forms V1101fs, V1596fs, V3208fs, V3223fs, V3240fs.
Identifiers: ClinVar variation 3386262 (VCV003386262.1).
Genomic context (GRCh38, chr13:32,398,229, plus strand): 5'-CTCCTAATTGTGAGATATATTATCAAAGTCCTTTATCACTTTGTATGGCCAAAAGGAAGT[C>CT]TGTTTCCACACCTGTCTCAGCCCAGATGACTTCAAAGTCTTGTAAAGGGGAGAAAGAGAT-3'

ClinVar aggregate classification (germline): Pathogenic (1 of 4 stars; one submission).

Conditions:
BRCA2-related cancer predisposition. Identifiers: MedGen CN377758, MONDO:0700269.

Submission:

All of Us Research Program, National Institutes of Health
Classification: Pathogenic for BRCA2-related cancer predisposition. Last evaluated: 2024-05-10. Review status: criteria provided, single submitter. Criteria: ACMG Guidelines, 2015. Collection method: clinical testing. Allele origin: germline. Inheritance: Autosomal dominant inheritance. Observed: 1 variant allele, 1 heterozygote.
Comment: The c.9717dup (p.Val3240Cysfs*15) variant in the BRCA2 gene is located on the exon 27 and is predicted to cause shift of reading frame that introduces a premature translation termination codon (p.Val3240Cysfs*15), resulting in an absent or disrupted protein product. An alternative frameshift variant in the same position (c.9717_9718insAT) has been reported in an individual with breast and/or ovarian cancer (PMID: 31853058). Another variant causing frameshift in the same position (c.9716_9717insAT, p.Val3240fs) has been interpreted as pathogenic by the expert panel (ClinVar ID: 548362). The other protein termination codon variants located in the same exon (p.Ser3228fs, p.Gln3247*) have been reviewed as pathogenic (ClinVar ID: 91530, 267170). Loss-of-function variants of BRCA2 are known to be pathogenic (PMID: 8988179, 11897832, 29446198). The variant has not been listed in the ClinVar. The variant is not observed in the general population according to gnomAD. Therefore, the c.9717dup (p.Val3240Cysfs*15) variant in the BRCA2 gene has been classified as pathogenic.

This study involves interpretation of variants in research participants for the purpose of population health screening. Participant phenotype was not available at the time of variant classification. Additional details can be found in publication PMID: 35346344, PMCID: PMC8962531

Literature cited by the submitters: PubMed 8988179; PubMed 11897832; PubMed 29446198; PubMed 31853058.